The following is an entry in ClinVar:

ClinVar aggregate classification (germline): Uncertain significance. Review status: criteria provided, multiple submitters, no conflicts (2 of 4 stars). 2 submissions from 2 submitters: Uncertain significance (2). Last evaluated 2025-08-12.

Conditions:
Rafiq syndrome (RAFQS). Identifiers: Orphanet 88616, MedGen C3280127, MONDO:0013624, OMIM 614202.
Inborn genetic diseases. Identifiers: MedGen C0950123, MeSH D030342.

Allele frequency attached by ClinVar (database versions not stated): gnomAD exomes below 0.00001; ExAC 0.00001; gnomAD 0.00001; TOPMed 0.00002.
gnomAD v4.1: 5 of 1,612,710 alleles (0.00031%); highest among the groups gnomAD compares: African/African-American, 0.004%; no homozygotes.

Submissions (2):

Ambry Genetics
Classification: Uncertain significance for Inborn genetic diseases. Last evaluated: 2025-08-12. Review status: criteria provided, single submitter. Criteria: Ambry Variant Classification Scheme 2023. Collection method: clinical testing. Allele origin: germline.

Labcorp Genetics (formerly Invitae), Labcorp
Classification: Uncertain significance for Rafiq syndrome. Last evaluated: 2024-01-19. Review status: criteria provided, single submitter. Criteria: Invitae Variant Classification Sherloc (09022015). Collection method: clinical testing. Allele origin: germline.
Comment: This sequence change replaces aspartic acid, which is acidic and polar, with histidine, which is basic and polar, at codon 436 of the MAN1B1 protein (p.Asp436His). This variant is present in population databases (rs749956554, gnomAD 0.006%). This variant has not been reported in the literature in individuals affected with MAN1B1-related conditions. An algorithm developed to predict the effect of missense changes on protein structure and function (PolyPhen-2) suggests that this variant¬†is likely to be tolerated. In summary, the available evidence is currently insufficient to determine the role of this variant in disease. Therefore, it has been classified as a Variant of Uncertain Significance.

NM_016219.5(MAN1B1):c.1306G>C (p.Asp436His)

Gene: MAN1B1 (mannosidase alpha class 1B member 1; plus strand). Cytogenetic location: 9q34.3.
Variant type: single nucleotide variant.
Coding change: c.1306G>C on transcript NM_016219.5 (MANE Select); coding-DNA position 1306, G replaced by C.
Protein change: p.Asp436His; replaces aspartic acid 436 with histidine.
Molecular consequence: missense variant. On other transcripts: non-coding transcript variant (2).
Genome position (GRCh38, 1-based): chr9:137,106,176, G>C. VCF-style: chr9-137106176-G-C. GRCh37 (hg19) VCF-style: chr9-140000628-G-C.
Other names: c.1198G>C, p.Asp400His (NM_007230.1); c.1306G>C (NM_016219.3); short protein forms D400H, D436H.
Identifiers: ClinVar variation 2715092 (VCV002715092.2), dbSNP rs749956554, ClinGen allele CA5359182.